The following is an entry in ClinVar:

ClinVar aggregate classification (germline): Benign/Likely benign. Review status: criteria provided, multiple submitters, no conflicts (2 of 4 stars). 14 submissions from 14 submitters: Benign (8); Likely benign (3). 3 of the submissions do not count toward it. Last evaluated 2026-01-25.

Conditions:
Hereditary cancer-predisposing syndrome. Also called: Hereditary Cancer Syndrome; Tumor predisposition; Neoplastic Syndromes, Hereditary; Hereditary neoplastic syndrome. Identifiers: Orphanet 140162, MedGen C0027672, MeSH D009386, MONDO:0015356.
Tuberous sclerosis syndrome (TSC). Also called: Tuberous Sclerosis Complex; Tuberous sclerosis. Identifiers: Orphanet 805, MedGen C0041341, MONDO:0001734.
Tuberous sclerosis 1 (TSC1). Identifiers: Orphanet 805, MedGen C1854465, MONDO:0008612, OMIM 191100.

Allele frequency attached by ClinVar (database versions not stated): gnomAD exomes 0.00109 and 0.00042; ExAC 0.00119; TOPMed 0.00005; 1000 Genomes Project 30x 0.00016; 1000 Genomes Project 0.00020; gnomAD 0.00079 and 0.00080.

Submissions (14):

Labcorp Genetics (formerly Invitae), Labcorp
Classification: Benign for Tuberous sclerosis 1. Last evaluated: 2026-01-25. Review status: criteria provided, single submitter. Criteria: Invitae Variant Classification Sherloc (09022015). Collection method: clinical testing. Allele origin: germline.

CeGaT Center for Human Genetics Tuebingen
Classification: Likely benign. Last evaluated: 2025-09-01. Review status: criteria provided, single submitter. Criteria: CeGaT Center For Human Genetics Tuebingen Variant Classification Criteria Version 2. Collection method: clinical testing. Allele origin: germline. Affected: yes. Observed: 4 variant alleles.
Comment: TSC1: BP4, BP7

Myriad Genetics, Inc.
Classification: Benign for Tuberous sclerosis 1. Last evaluated: 2025-04-08. Review status: criteria provided, single submitter. Criteria: Myriad Autosomal Dominant, Autosomal Recessive and X-Linked Classification Criteria (2023). Collection method: clinical testing. Allele origin: unknown.
Comment: This variant is considered benign. This variant is a silent/synonymous amino acid change and it is not expected to impact splicing.

Blueprint Genetics
Classification: Likely benign. Last evaluated: 2024-11-11. Review status: criteria provided, single submitter. Criteria: ACMG Guidelines, 2015. Collection method: clinical testing. Allele origin: germline.

All of Us Research Program, National Institutes of Health
Classification: Benign for Tuberous sclerosis syndrome. Last evaluated: 2024-02-05. Review status: criteria provided, single submitter. Criteria: ACMG Guidelines, 2015. Collection method: clinical testing. Allele origin: germline. Inheritance: Autosomal dominant inheritance. Observed: 38 variant alleles, 38 heterozygotes.
Comment: This study involves interpretation of variants in research participants for the purpose of population health screening. Participant phenotype was not available at the time of variant classification. Additional details can be found in publication PMID: 35346344, PMCID: PMC8962531

Color Diagnostics, LLC DBA Color Health
Classification: Benign for Tuberous sclerosis syndrome. Last evaluated: 2022-05-19. Review status: criteria provided, single submitter. Criteria: ACMG Guidelines, 2015. Collection method: clinical testing. Allele origin: germline.

Genome-Nilou Lab
Classification: Benign for Tuberous sclerosis 1. Last evaluated: 2021-11-07. Review status: criteria provided, single submitter. Criteria: ACMG Guidelines, 2015. Collection method: clinical testing. Allele origin: germline. Affected: no.

Sema4
Classification: Benign for Hereditary cancer-predisposing syndrome. Last evaluated: 2021-06-20. Review status: criteria provided, single submitter. Criteria: Sema4 Curation Guidelines. Collection method: curation. Allele origin: germline.

GeneDx
Classification: Benign. Last evaluated: 2017-07-19. Review status: criteria provided, single submitter. Criteria: GeneDx Variant Classification (06012015). Collection method: clinical testing. Allele origin: germline. Affected: yes.
Comment: This variant is considered likely benign or benign based on one or more of the following criteria: it is a conservative change, it occurs at a poorly conserved position in the protein, it is predicted to be benign by multiple in silico algorithms, and/or has population frequency not consistent with disease.

Ambry Genetics
Classification: Benign for Hereditary cancer-predisposing syndrome. Last evaluated: 2016-01-13. Review status: criteria provided, single submitter. Criteria: Ambry Variant Classification Scheme 2023. Collection method: clinical testing. Allele origin: germline.

PreventionGenetics, part of Exact Sciences
Classification: Likely benign. Review status: criteria provided, single submitter. Criteria: ACMG Guidelines, 2015. Collection method: clinical testing. Allele origin: germline.

Clinical Genetics DNA and cytogenetics Diagnostics Lab, Erasmus MC, Erasmus Medical Center
Classification: Benign. Review status: no assertion criteria provided. Collection method: clinical testing. Allele origin: germline. Affected: yes. Study: VKGL Data-share Consensus. Not counted in ClinVar's aggregate classification.

Clinical Genetics, Academic Medical Center
Classification: Benign. Review status: no assertion criteria provided. Collection method: clinical testing. Allele origin: germline. Affected: yes. Study: VKGL Data-share Consensus. Not counted in ClinVar's aggregate classification.

Tuberous sclerosis database (TSC1)
No classification provided. Condition: TSC. Review status: no classification provided. Criteria: Tuberous Sclerosis Database Assertion Criteria 2015. Collection method: curation. Allele origin: germline. Affected: yes. Not counted in ClinVar's aggregate classification.

NM_000368.5(TSC1):c.552G>C (p.Val184=)

Gene: TSC1 (TSC complex subunit 1; minus strand). Cytogenetic location: 9q34.13.
Variant type: single nucleotide variant.
Coding change: c.552G>C on transcript NM_000368.5 (MANE Select); coding-DNA position 552, G replaced by C.
Protein change: p.Val184=; no amino-acid change (valine 184 retained).
Molecular consequence: synonymous variant.
Genome position (GRCh38, 1-based): chr9:132,921,930, C>G on the plus strand (G>C on the coding strand, the complement: TSC1 is on the minus strand). VCF-style: chr9-132921930-C-G. GRCh37 (hg19) VCF-style: chr9-135797317-C-G.
Other names: c.552G>C, p.Val184= (NM_001162426.2); c.399G>C, p.Val133= (NM_001162427.2); c.189G>C, p.Val63= (NM_001362177.2).
Identifiers: ClinVar variation 49054 (VCV000049054.60), dbSNP rs118203397, ClinGen allele CA007724.